The following is an entry in ClinVar:

ClinVar aggregate classification (germline): Benign (0 of 4 stars; one submission).

Conditions:
ZFHX2-related disorder. Also called: ZFHX2-related condition.

Allele frequency attached by ClinVar (database versions not stated): 1000 Genomes Project 30x 0.09182; TOPMed 0.09198; 1000 Genomes Project 0.09405; ExAC 0.13904.
gnomAD v4.1: 188,732 of 1,538,162 alleles (12%); highest among the groups gnomAD compares: South Asian, 15%; 12,188 homozygotes.

Submission:

PreventionGenetics, part of Exact Sciences
Classification: Benign for ZFHX2-related condition. Last evaluated: 2019-11-06. Review status: no assertion criteria provided. Collection method: clinical testing. Allele origin: germline.
Comment: This variant is classified as benign based on ACMG/AMP sequence variant interpretation guidelines (Richards et al. 2015 PMID: 25741868, with internal and published modifications).

NM_033400.3(ZFHX2):c.1648C>A (p.Pro550Thr)

Genes: THTPA (thiamine triphosphatase; plus strand), ZFHX2 (zinc finger homeobox 2; minus strand). Cytogenetic location: 14q11.2.
Variant type: single nucleotide variant.
Coding change: c.1648C>A on transcript NM_033400.3 (MANE Select); coding-DNA position 1648, C replaced by A.
Protein change: p.Pro550Thr; replaces proline 550 with threonine.
Molecular consequence: missense variant.
Genome position (GRCh38, 1-based): chr14:23,533,678, G>T on the plus strand (C>A on the coding strand, the complement: ZFHX2 is on the minus strand). VCF-style: chr14-23533678-G-T. GRCh37 (hg19) VCF-style: chr14-24002887-G-T.
Other names: short protein forms P550T.
Identifiers: ClinVar variation 3060269 (VCV003060269.2), dbSNP rs3742489, ClinGen allele CA7117108.